The following is an entry in ClinVar:

ClinVar aggregate classification (germline): Uncertain significance (1 of 4 stars; one submission).

Conditions:
Renal cell carcinoma. Identifiers: Orphanet 217071, MedGen C0007134, MeSH D002292, MONDO:0005086, HP:0005584.

Submission:

Labcorp Genetics (formerly Invitae), Labcorp
Classification: Uncertain significance for Renal cell carcinoma. Last evaluated: 2024-10-29. Review status: criteria provided, single submitter. Criteria: Invitae Variant Classification Sherloc (09022015). Collection method: clinical testing. Allele origin: germline.
Comment: This sequence change replaces aspartic acid, which is acidic and polar, with asparagine, which is neutral and polar, at codon 414 of the MET protein (p.Asp414Asn). This variant is not present in population databases (gnomAD no frequency). This variant has not been reported in the literature in individuals affected with MET-related conditions. An algorithm developed to predict the effect of missense changes on protein structure and function (PolyPhen-2) suggests that this variant is likely to be disruptive. In summary, the available evidence is currently insufficient to determine the role of this variant in disease. Therefore, it has been classified as a Variant of Uncertain Significance.

NM_000245.4(MET):c.1240G>A (p.Asp414Asn)

Gene: MET (MET proto-oncogene, receptor tyrosine kinase; plus strand). Cytogenetic location: 7q31.2.
Variant type: single nucleotide variant.
Coding change: c.1240G>A on transcript NM_000245.4 (MANE Select); coding-DNA position 1240, G replaced by A.
Protein change: p.Asp414Asn; replaces aspartic acid 414 with asparagine.
Molecular consequence: missense variant. On other transcripts: 5 prime UTR variant (1).
Genome position (GRCh38, 1-based): chr7:116,731,707, G>A. VCF-style: chr7-116731707-G-A. GRCh37 (hg19) VCF-style: chr7-116371761-G-A.
Other names: c.1240G>A, p.Asp414Asn (NM_001127500.3, NM_001324401.3); c.-51G>A (NM_001324402.2); short protein forms D414N.
Identifiers: ClinVar variation 3684711 (VCV003684711.2).